The following is an entry in ClinVar:

NM_000441.2(SLC26A4):c.1445G>C (p.Trp482Ser)

Gene: SLC26A4 (solute carrier family 26 member 4; plus strand). Cytogenetic location: 7q22.3.
Variant type: single nucleotide variant.
Coding change: c.1445G>C on transcript NM_000441.2 (MANE Select); coding-DNA position 1445, G replaced by C.
Protein change: p.Trp482Ser; replaces tryptophan 482 with serine.
Molecular consequence: missense variant.
Genome position (GRCh38, 1-based): chr7:107,695,940, G>C. VCF-style: chr7-107695940-G-C. GRCh37 (hg19) VCF-style: chr7-107336385-G-C.
Other names: short protein forms W482S.
Identifiers: ClinVar variation 1390239 (VCV001390239.10), dbSNP rs774182356, ClinGen allele CA4432825.
Genomic context (GRCh38, chr7:107,695,940, plus strand): 5'-GATGGTACCTGATACATTAATATAATTCTTTTCATTTCTATTTTTTTCCCTAGGTTATCT[G>C]GGTGTTTACGTGTATAGTGTCCATCATTCTGGGGCTGGATCTCGGTTTACTAGCTGGCCT-3'
Protein context (NP_000432.1, residues 472-492): WRQNKIDAVI[Trp482Ser]VFTCIVSIIL

ClinVar aggregate classification (germline): Conflicting classifications of pathogenicity. Review status: criteria provided, conflicting classifications (1 of 4 stars). 3 submissions from 3 submitters: Likely pathogenic (1); Uncertain significance (2). Last evaluated 2025-03-03.

Conditions:
Inborn genetic diseases. Identifiers: MedGen C0950123, MeSH D030342.

Allele frequency attached by ClinVar (database versions not stated): gnomAD exomes 0.00003; gnomAD 0.00001; TOPMed 0.00001; ExAC 0.00002.
gnomAD v4.1: 11 of 1,578,010 alleles (0.0007%); highest among the groups gnomAD compares: Admixed American, 0.012%; no homozygotes.

Submissions (3):

GeneDx
Classification: Uncertain significance. Last evaluated: 2025-03-03. Review status: criteria provided, single submitter. Criteria: GeneDx Variant Classification Process June 2021. Collection method: clinical testing. Allele origin: germline.
Comment: In silico analysis supports that this missense variant has a deleterious effect on protein structure/function; Has not been previously published as pathogenic or benign to our knowledge

Labcorp Genetics (formerly Invitae), Labcorp
Classification: Likely pathogenic. Last evaluated: 2025-01-15. Review status: criteria provided, single submitter. Criteria: Invitae Variant Classification Sherloc (09022015). Collection method: clinical testing. Allele origin: germline.
Comment: This sequence change replaces tryptophan, which is neutral and slightly polar, with serine, which is neutral and polar, at codon 482 of the SLC26A4 protein (p.Trp482Ser). This variant is present in population databases (rs774182356, gnomAD 0.02%). This variant has not been reported in the literature in individuals affected with SLC26A4-related conditions. ClinVar contains an entry for this variant (Variation ID: 1390239). Invitae Evidence Modeling of protein sequence and biophysical properties (such as structural, functional, and spatial information, amino acid conservation, physicochemical variation, residue mobility, and thermodynamic stability) indicates that this missense variant is expected to disrupt SLC26A4 protein function with a positive predictive value of 95%. This variant disrupts the p.Trp482 amino acid residue in SLC26A4. Other variant(s) that disrupt this residue have been determined to be pathogenic (internal data). This suggests that this residue is clinically significant, and that variants that disrupt this residue are likely to be disease-causing. In summary, the currently available evidence indicates that the variant is pathogenic, but additional data are needed to prove that conclusively. Therefore, this variant has been classified as Likely Pathogenic.

Ambry Genetics
Classification: Uncertain significance for Inborn genetic diseases. Last evaluated: 2022-08-08. Review status: criteria provided, single submitter. Criteria: Ambry Variant Classification Scheme 2023. Collection method: clinical testing. Allele origin: germline.